The following is an entry in ClinVar:

ClinVar aggregate classification (germline): Conflicting classifications of pathogenicity. Review status: criteria provided, conflicting classifications (1 of 4 stars). 3 submissions from 3 submitters: Uncertain significance (2); Likely benign (1). Last evaluated 2025-12-15.

Conditions:
Dilated cardiomyopathy 1KK (CMD1KK). Identifiers: Orphanet 154, Orphanet 75249, MedGen C3714995, MONDO:0014100, OMIM 615248.
Cardiovascular phenotype. Identifiers: MedGen CN230736.

Allele frequency attached by ClinVar (database versions not stated): gnomAD 0.00001; gnomAD exomes 0.00001.
gnomAD v4.1: 16 of 1,611,424 alleles (0.00099%); highest among the groups gnomAD compares: African/African-American, 0.0067%; no homozygotes.

Submissions (3):

Ambry Genetics
Classification: Likely benign for Cardiovascular phenotype. Last evaluated: 2025-12-15. Review status: criteria provided, single submitter. Criteria: Ambry Variant Classification Scheme 2023. Collection method: clinical testing. Allele origin: germline.

Blueprint Genetics
Classification: Uncertain significance. Last evaluated: 2023-07-06. Review status: criteria provided, single submitter. Criteria: ACMG Guidelines, 2015. Collection method: clinical testing. Allele origin: germline.

Labcorp Genetics (formerly Invitae), Labcorp
Classification: Uncertain significance for Dilated cardiomyopathy 1KK. Last evaluated: 2022-06-21. Review status: criteria provided, single submitter. Criteria: Invitae Variant Classification Sherloc (09022015). Collection method: clinical testing. Allele origin: germline.
Comment: This variant is present in population databases (no rsID available, gnomAD 0.008%). This sequence change replaces alanine, which is neutral and non-polar, with valine, which is neutral and non-polar, at codon 242 of the MYPN protein (p.Ala242Val). This variant has not been reported in the literature in individuals affected with MYPN-related conditions. ClinVar contains an entry for this variant (Variation ID: 477766). Algorithms developed to predict the effect of missense changes on protein structure and function (SIFT, PolyPhen-2, Align-GVGD) all suggest that this variant is likely to be tolerated. In summary, the available evidence is currently insufficient to determine the role of this variant in disease. Therefore, it has been classified as a Variant of Uncertain Significance.

NM_032578.4(MYPN):c.725C>T (p.Ala242Val)

Gene: MYPN (myopalladin; plus strand). Cytogenetic location: 10q21.3.
Variant type: single nucleotide variant.
Coding change: c.725C>T on transcript NM_032578.4 (MANE Select); coding-DNA position 725, C replaced by T.
Protein change: p.Ala242Val; replaces alanine 242 with valine.
Molecular consequence: missense variant. On other transcripts: 5 prime UTR variant (1), non-coding transcript variant (1).
Genome position (GRCh38, 1-based): chr10:68,122,163, C>T. VCF-style: chr10-68122163-C-T. GRCh37 (hg19) VCF-style: chr10-69881920-C-T.
Other names: c.725C>T, p.Ala242Val (NM_001256267.2); c.-398C>T (NM_001256268.2); short protein forms A242V.
Identifiers: ClinVar variation 477766 (VCV000477766.14), dbSNP rs1232532993, ClinGen allele CA377104989.
Genomic context (GRCh38, chr10:68,122,163, plus strand): 5'-ATGAAGTGAATCACGCCCTGGAACAGCAGGAAGCCAAGAGGCGTGAAGCGGAGCAGGCTG[C>T]CAGTGAGGCGGCTGGTGGAGACACTACACCAGGGTCTTCCCCTTCATCTCTGTACTATGA-3'
Protein context (NP_115967.2, residues 232-252): EAKRREAEQA[Ala242Val]SEAAGGDTTP